The following is an entry in ClinVar:

NM_002137.4(HNRNPA2B1):c.797A>G (p.Asn266Ser)

Gene: HNRNPA2B1 (heterogeneous nuclear ribonucleoprotein A2/B1; minus strand). Cytogenetic location: 7p15.2.
Variant type: single nucleotide variant.
Coding change: c.797A>G on transcript NM_002137.4 (MANE Select); coding-DNA position 797, A replaced by G.
Protein change: p.Asn266Ser; replaces asparagine 266 with serine.
Molecular consequence: missense variant.
Genome position (GRCh38, 1-based): chr7:26,193,619, T>C on the plus strand (A>G on the coding strand, the complement: HNRNPA2B1 is on the minus strand). VCF-style: chr7-26193619-T-C. GRCh37 (hg19) VCF-style: chr7-26233239-T-C.
Other names: c.833A>G, p.Asn278Ser (NM_031243.4); short protein forms N278S, N266S.
Identifiers: ClinVar variation 474504 (VCV000474504.10), dbSNP rs1554331125, ClinGen allele CA367073496.

ClinVar aggregate classification (germline): Uncertain significance. Review status: criteria provided, multiple submitters, no conflicts (2 of 4 stars). 2 submissions from 2 submitters: Uncertain significance (2). Last evaluated 2021-02-18.

Conditions:
Inclusion body myopathy with early-onset Paget disease with or without frontotemporal dementia 2 (IBMPFD2). Also called: MULTISYSTEM PROTEINOPATHY 2. Identifiers: MedGen C3809468, MONDO:0014178, OMIM 615422.

Allele frequency attached by ClinVar (database versions not stated): TOPMed 0.00001.
gnomAD v4.1: 1 of 1,611,234 alleles (0.000062%); no homozygotes.

Submissions (2):

GeneDx
Classification: Uncertain significance. Last evaluated: 2021-02-18. Review status: criteria provided, single submitter. Criteria: GeneDx Variant Classification Process June 2021. Collection method: clinical testing. Allele origin: germline. Affected: yes.
Comment: Not observed in large population cohorts (Lek et al., 2016); In silico analysis supports that this missense variant does not alter protein structure/function; Has not been previously published as pathogenic or benign to our knowledge

Labcorp Genetics (formerly Invitae), Labcorp
Classification: Uncertain significance for Inclusion body myopathy with early-onset Paget disease with or without frontotemporal dementia 2. Last evaluated: 2017-06-12. Review status: criteria provided, single submitter. Criteria: Invitae Variant Classification Sherloc (09022015). Collection method: clinical testing. Allele origin: germline.
Comment: In summary, this variant has uncertain impact on HNRNPA2B1 function. The available evidence is currently insufficient to determine its role in disease. Therefore, it has been classified as a Variant of Uncertain Significance. Algorithms developed to predict the effect of missense changes on protein structure and function do not agree on the potential impact of this missense change (SIFT: "Deleterious"; PolyPhen-2: "Benign"; Align-GVGD: "Class C45"). This variant has not been reported in the literature in individuals with an HNRNPA2B1-related disease. This variant is not present in population databases (ExAC no frequency). This sequence change replaces asparagine with serine at codon 278 of the HNRNPA2B1 protein (p.Asn278Ser). The asparagine residue is highly conserved and there is a small physicochemical difference between asparagine and serine.